The following is an entry in ClinVar:

NM_000016.6(ACADM):c.154_156del (p.Ala52del)

Gene: ACADM (acyl-CoA dehydrogenase medium chain; plus strand). Cytogenetic location: 1p31.1.
Variant type: Deletion.
Coding change: c.154_156del on transcript NM_000016.6 (MANE Select); coding-DNA positions 154 to 156, 3 bases deleted (GCT; older notation c.154_156delGCT).
Protein change: p.Ala52del; deletes alanine 52.
Molecular consequence: inframe deletion. On other transcripts: 5 prime UTR variant (1).
Genome position (GRCh38, 1-based): chr1:75,732,679-75,732,681, GCT deleted; deleting any 3 consecutive bases within chr1:75,732,677-75,732,681 gives the same sequence; the c. name uses the placement nearest the transcript's 3' end. VCF-style (leftmost placement, unchanged base first): chr1-75732676-ACTG-A. GRCh37 (hg19) VCF-style: chr1-76198361-ACTG-A.
Other names: c.166_168del, p.Ala56del (NM_001127328.3); c.46_48del, p.Ala16del (NM_001286042.2); c.154_156del, p.Ala52del (NM_001286043.2); c.-232_-230del (NM_001286044.2); short protein forms A52del, A56del, A16del.
Identifiers: ClinVar variation 1363051 (VCV001363051.8), dbSNP rs2100362599, ClinGen allele CA2573132600.

ClinVar aggregate classification (germline): Uncertain significance (1 of 4 stars; one submission).

Conditions:
Medium-chain acyl-coenzyme A dehydrogenase deficiency (ACADMD). Also called: MCADH DEFICIENCY; CARNITINE DEFICIENCY SECONDARY TO MEDIUM-CHAIN ACYL-CoA DEHYDROGENASE DEFICIENCY; MCADD; MCAD Deficiency; Medium chain acyl-CoA dehydrogenase deficiency; ACADM DEFICIENCY. Identifiers: Orphanet 42, MedGen C0220710, MONDO:0008721, OMIM 201450.

Submission:

Labcorp Genetics (formerly Invitae), Labcorp
Classification: Uncertain significance for Medium-chain acyl-coenzyme A dehydrogenase deficiency. Last evaluated: 2021-07-30. Review status: criteria provided, single submitter. Criteria: Invitae Variant Classification Sherloc (09022015). Collection method: clinical testing. Allele origin: germline.
Comment: In summary, the available evidence is currently insufficient to determine the role of this variant in disease. Therefore, it has been classified as a Variant of Uncertain Significance. This variant disrupts a region of the ACADM protein in which other variant(s) (p.Ala52Val) have been observed in individuals with ACADM-related conditions (PMID: 15832312, 19224950, 24718418). This suggests that this is a clinically significant region of the protein, and that variants that disrupt it are likely to be disease-causing. Experimental studies and prediction algorithms are not available or were not evaluated, and the functional significance of this variant is currently unknown. This variant has been observed in individual(s) with medium-chain acyl-coenzyme A dehydrogenase deficiency (Invitae). In at least one individual the data is consistent with the variant being in trans (on the opposite chromosome) from a pathogenic variant. This variant is not present in population databases (ExAC no frequency). This variant, c.154_156del, results in the deletion of 1 amino acid(s) of the ACADM protein (p.Ala52del), but otherwise preserves the integrity of the reading frame.

Literature cited by the submitters: PubMed 15832312; PubMed 19224950; PubMed 24718418.